The following is an entry in ClinVar:

NM_002900.3(RBP3):c.1582G>A (p.Gly528Ser)

Gene: RBP3 (retinol binding protein 3; plus strand). Cytogenetic location: 10q11.22.
Variant type: single nucleotide variant.
Coding change: c.1582G>A on transcript NM_002900.3 (MANE Select); coding-DNA position 1582, G replaced by A.
Protein change: p.Gly528Ser; replaces glycine 528 with serine.
Molecular consequence: missense variant.
Genome position (GRCh38, 1-based): chr10:47,350,066, G>A. VCF-style: chr10-47350066-G-A. GRCh37 (hg19) VCF-style: chr10-48389296-C-T.
Other names: c.1582G>A (NM_002900.2); short protein forms G528S.
Identifiers: ClinVar variation 1426643 (VCV001426643.8), dbSNP rs577066945, ClinGen allele CA5487489.

ClinVar aggregate classification (germline): Uncertain significance. Review status: criteria provided, multiple submitters, no conflicts (2 of 4 stars). 3 submissions from 3 submitters: Uncertain significance (3). Last evaluated 2025-08-01.

Conditions:
Inborn genetic diseases. Identifiers: MedGen C0950123, MeSH D030342.

Allele frequency attached by ClinVar (database versions not stated): gnomAD 0.00002; gnomAD exomes 0.00002 and 0.00004; TOPMed 0.00002; ExAC 0.00004; 1000 Genomes Project 0.00040; 1000 Genomes Project 30x 0.00047.
gnomAD v4.1: 32 of 1,612,930 alleles (0.002%); highest among the groups gnomAD compares: Middle Eastern, 0.033%; no homozygotes.

Submissions (3):

Ambry Genetics
Classification: Uncertain significance for Inborn genetic diseases. Last evaluated: 2025-08-01. Review status: criteria provided, single submitter. Criteria: Ambry Variant Classification Scheme 2023. Collection method: clinical testing. Allele origin: germline.

Blueprint Genetics
Classification: Uncertain significance. Last evaluated: 2024-09-16. Review status: criteria provided, single submitter. Criteria: ACMG Guidelines, 2015. Collection method: clinical testing. Allele origin: germline.

Labcorp Genetics (formerly Invitae), Labcorp
Classification: Uncertain significance. Last evaluated: 2023-10-02. Review status: criteria provided, single submitter. Criteria: Invitae Variant Classification Sherloc (09022015). Collection method: clinical testing. Allele origin: germline.
Comment: This sequence change replaces glycine, which is neutral and non-polar, with serine, which is neutral and polar, at codon 528 of the RBP3 protein (p.Gly528Ser). This variant is present in population databases (rs577066945, gnomAD 0.03%). This variant has not been reported in the literature in individuals affected with RBP3-related conditions. ClinVar contains an entry for this variant (Variation ID: 1426643). An algorithm developed to predict the effect of missense changes on protein structure and function (PolyPhen-2) suggests that this variant is likely to be disruptive. In summary, the available evidence is currently insufficient to determine the role of this variant in disease. Therefore, it has been classified as a Variant of Uncertain Significance.